The following is an entry in ClinVar:

NM_004385.5(VCAN):c.7438G>A (p.Asp2480Asn)

Genes: VCAN (versican; plus strand), VCAN-AS1 (VCAN antisense RNA 1; minus strand). Cytogenetic location: 5q14.3.
Variant type: single nucleotide variant.
Coding change: c.7438G>A on transcript NM_004385.5 (MANE Select); coding-DNA position 7438, G replaced by A.
Protein change: p.Asp2480Asn; replaces aspartic acid 2480 with asparagine.
Molecular consequence: missense variant. On other transcripts: intron variant (2).
Genome position (GRCh38, 1-based): chr5:83,540,441, G>A. VCF-style: chr5-83540441-G-A. GRCh37 (hg19) VCF-style: chr5-82836260-G-A.
Other names: c.4477G>A, p.Asp1493Asn (NM_001164097.2); c.4004-5096G>A (NM_001164098.2); c.1043-5096G>A (NM_001126336.3); short protein forms D1493N, D2480N.
Identifiers: ClinVar variation 2842237 (VCV002842237.3), dbSNP rs1746926198, ClinGen allele CA360314736.

ClinVar aggregate classification (germline): Uncertain significance (1 of 4 stars; one submission).

gnomAD v4.1: 1 of 1,614,004 alleles (0.000062%); no homozygotes.

Submission:

Labcorp Genetics (formerly Invitae), Labcorp
Classification: Uncertain significance. Last evaluated: 2024-12-16. Review status: criteria provided, single submitter. Criteria: Invitae Variant Classification Sherloc (09022015). Collection method: clinical testing. Allele origin: germline.
Comment: This sequence change replaces aspartic acid, which is acidic and polar, with asparagine, which is neutral and polar, at codon 2480 of the VCAN protein (p.Asp2480Asn). This variant is not present in population databases (gnomAD no frequency). This variant has not been reported in the literature in individuals affected with VCAN-related conditions. ClinVar contains an entry for this variant (Variation ID: 2842237). An algorithm developed to predict the effect of missense changes on protein structure and function outputs the following: PolyPhen-2: "Benign". The asparagine amino acid residue is found in multiple mammalian species, which suggests that this missense change does not adversely affect protein function. In summary, the available evidence is currently insufficient to determine the role of this variant in disease. Therefore, it has been classified as a Variant of Uncertain Significance.